The following is an entry in ClinVar:

ClinVar aggregate classification (germline): Uncertain significance (1 of 4 stars; one submission).

Conditions:
Cardiomyopathy (CMYO). Also called: Cardiomyopathies. Identifiers: Orphanet 167848, MedGen C0878544, MONDO:0004994, HP:0001638. Inheritance: Various modes of inheritance.

gnomAD v4.1: 1 of 1,602,706 alleles (0.000062%); highest among the groups gnomAD compares: Non-Finnish European, 0.000085%; no homozygotes.

Submission:

Color Diagnostics, LLC DBA Color Health
Classification: Uncertain significance for Cardiomyopathy. Last evaluated: 2025-05-12. Review status: criteria provided, single submitter. Criteria: ACMG Guidelines, 2015. Collection method: clinical testing. Allele origin: germline.
Comment: This variant is located in the 5' untranslated region of the DSP gene. To our knowledge, functional studies have not been reported for this variant. This variant has not been reported in individuals affected with DSP-related disorders in the literature. This variant has not been identified in the general population by the Genome Aggregation Database (gnomAD). The available evidence is insufficient to determine the role of this variant in disease conclusively. Therefore, this variant is classified as a Variant of Uncertain Significance.

NM_004415.4(DSP):c.-9C>T

Genes: DSP-AS1 (DSP antisense RNA 1; minus strand), DSP (desmoplakin; plus strand). Cytogenetic location: 6p24.3.
Variant type: single nucleotide variant.
Coding change: c.-9C>T on transcript NM_004415.4 (MANE Select); 9 bases upstream of the start codon, C replaced by T.
Molecular consequence: 5 prime UTR variant.
Genome position (GRCh38, 1-based): chr6:7,541,907, C>T. VCF-style: chr6-7541907-C-T. GRCh37 (hg19) VCF-style: chr6-7542140-C-T.
Other names: c.-9C>T (NM_001008844.3, NM_001319034.2, NM_001406591.1).
Identifiers: ClinVar variation 4758306 (VCV004758306.1).